The following is an entry in ClinVar:

ClinVar aggregate classification (germline): Pathogenic (1 of 4 stars; one submission).

Conditions:
CHARGE syndrome (CHARGE). Also called: Hittner Hirsch Kreh syndrome; CHARGE ASSOCIATION--COLOBOMA, HEART ANOMALY, CHOANAL ATRESIA, RETARDATION, GENITAL AND EAR ANOMALIES; Coloboma, heart anomaly, choanal atresia, retardation, genital and ear anomalies; CHARGE association; Hall-Hittner syndrome. Identifiers: Orphanet 138, MedGen C0265354, MONDO:0008965.

Submission:

Labcorp Genetics (formerly Invitae), Labcorp
Classification: Pathogenic for CHARGE syndrome. Last evaluated: 2017-04-10. Review status: criteria provided, single submitter. Criteria: Invitae Variant Classification Sherloc (09022015). Collection method: clinical testing. Allele origin: germline.
Comment: For these reasons, this variant has been classified as Pathogenic. Loss-of-function variants in CHD7 are known to be pathogenic. While this particular variant has not been reported in the literature, a different variant (c.6473C>G) giving rise to the same protein effect observed here (p.Ser2158*) has been reported in an individual affected with CHARGE syndrome (PMID: 22461308). This sequence change creates a premature translational stop signal at codon 2158 (p.Ser2158*) of the CHD7 gene. It is expected to result in an absent or disrupted protein product.

Literature cited by the submitters: PubMed 22461308.

NM_017780.4(CHD7):c.6473C>A (p.Ser2158Ter)

Gene: CHD7 (chromodomain helicase DNA binding protein 7; plus strand). Cytogenetic location: 8q12.2.
Variant type: single nucleotide variant.
Coding change: c.6473C>A on transcript NM_017780.4 (MANE Select); coding-DNA position 6473, C replaced by A.
Protein change: p.Ser2158Ter; replaces serine 2158 with a stop codon.
Molecular consequence: nonsense. On other transcripts: intron variant (1).
Genome position (GRCh38, 1-based): chr8:60,853,198, C>A. VCF-style: chr8-60853198-C-A. GRCh37 (hg19) VCF-style: chr8-61765757-C-A.
Other names: c.1717-9031C>A (NM_001316690.1); short protein forms S2158*.
Identifiers: ClinVar variation 459559 (VCV000459559.8), dbSNP rs376056567, ClinGen allele CA371325363.
Genomic context (GRCh38, chr8:60,853,198, plus strand): 5'-GTAATACATCTTCCTTGAACCCACTGGCAGTTGGATTTGTCCAGACTCCTCCAGTCATCT[C>A]ATCTGCTCATATTCAAGATGAGAGGGTACTGGAACAAGCCGAAGGCAAAGTGGAGGAGCC-3'